The following is an entry in ClinVar:

ClinVar aggregate classification (germline): Likely benign. Review status: criteria provided, multiple submitters, no conflicts (2 of 4 stars). 3 submissions from 3 submitters: Likely benign (3). Last evaluated 2026-06-26.

Conditions:
CACNA1C-related disorder. Also called: CACNA1C-related condition; CACNA1C-related disorders. Identifiers: MedGen CN381092, MONDO:0700321.
Long QT syndrome (LQTS). Identifiers: MedGen C0023976, MeSH D008133, MONDO:0002442. Disease mechanism: loss of function. Inheritance: Various modes of inheritance.

Allele frequency attached by ClinVar (database versions not stated): gnomAD exomes below 0.00001.
gnomAD v4.1: 1 of 1,604,238 alleles (0.000062%); highest among the groups gnomAD compares: South Asian, 0.0011%; no homozygotes.

Submissions (3):

PreventionGenetics, part of Exact Sciences
Classification: Likely benign for CACNA1C-related condition. Last evaluated: 2026-06-26. Review status: criteria provided, single submitter. Criteria: ACMG Guidelines, 2015. Collection method: clinical testing. Allele origin: germline.
Comment: This variant is classified as likely benign based on ACMG/AMP sequence variant interpretation guidelines (Richards et al. 2015 PMID: 25741868, with internal and published modifications).

Blueprint Genetics
Classification: Likely benign. Last evaluated: 2022-11-22. Review status: criteria provided, single submitter. Criteria: ACMG Guidelines, 2015. Collection method: clinical testing. Allele origin: germline.

Labcorp Genetics (formerly Invitae), Labcorp
Classification: Likely benign for Long QT syndrome. Last evaluated: 2018-12-05. Review status: criteria provided, single submitter. Criteria: Invitae Variant Classification Sherloc (09022015). Collection method: clinical testing. Allele origin: germline.

NM_000719.7(CACNA1C):c.2178G>A (p.Gly726=)

Gene: CACNA1C (calcium voltage-gated channel subunit alpha1 C; plus strand). Cytogenetic location: 12p13.33.
Variant type: single nucleotide variant.
Coding change: c.2178G>A on transcript NM_000719.7 (MANE Select); coding-DNA position 2178, G replaced by A.
Protein change: p.Gly726=; no amino-acid change (glycine 726 retained).
Molecular consequence: synonymous variant.
Genome position (GRCh38, 1-based): chr12:2,582,896, G>A. VCF-style: chr12-2582896-G-A. GRCh37 (hg19) VCF-style: chr12-2692062-G-A.
Other names: c.2178G>A, p.Gly726= (NM_001129827.2, NM_001129829.2, NM_001129830.3 and 18 more transcripts); c.2169G>A, p.Gly723= (NM_001129844.2).
Identifiers: ClinVar variation 758295 (VCV000758295.11), dbSNP rs1601019645, ClinGen allele CA477884342.